The following is an entry in ClinVar:

NM_000746.6(CHRNA7):c.1120G>A (p.Val374Met)

Gene: CHRNA7 (cholinergic receptor nicotinic alpha 7 subunit). Cytogenetic location: 15q13.3.
Variant type: single nucleotide variant.
Coding change: c.1120G>A on transcript NM_000746.6 (MANE Select); coding-DNA position 1120, G replaced by A.
Protein change: p.Val374Met; replaces valine 374 with methionine.
Molecular consequence: missense variant. On other transcripts: non-coding transcript variant (1).
Genome position (GRCh38, 1-based): chr15:32,168,069, G>A. VCF-style: chr15-32168069-G-A. GRCh37 (hg19) VCF-style: chr15-32460270-G-A.
Other names: c.1207G>A, p.Val403Met (NM_001190455.3); c.1120G>A (NM_000746.4); short protein forms V374M, V403M.
Identifiers: ClinVar variation 3025730 (VCV003025730.22), dbSNP rs757687293, ClinGen allele CA7454415.

ClinVar aggregate classification (germline): Uncertain significance. Review status: criteria provided, multiple submitters, no conflicts (2 of 4 stars). 2 submissions from 2 submitters: Uncertain significance (2). Last evaluated 2025-11-20.

Allele frequency attached by ClinVar (database versions not stated): ExAC 0.00003.

Submissions (2):

Ambry Genetics
Classification: Uncertain significance. Last evaluated: 2025-11-20. Review status: criteria provided, single submitter. Criteria: Ambry Variant Classification Scheme 2023. Collection method: clinical testing. Allele origin: germline.

CeGaT Center for Human Genetics Tuebingen
Classification: Uncertain significance. Last evaluated: 2024-01-01. Review status: criteria provided, single submitter. Criteria: CeGaT Center For Human Genetics Tuebingen Variant Classification Criteria Version 2. Collection method: clinical testing. Allele origin: germline. Affected: yes. Observed: 1 variant allele.
Comment: CHRNA7: PM2, BP4